The following is an entry in ClinVar:

NM_001164508.2(NEB):c.1405G>T (p.Gly469Cys)

Gene: NEB (nebulin; minus strand). Cytogenetic location: 2q23.3.
Variant type: single nucleotide variant.
Coding change: c.1405G>T on transcript NM_001164508.2 (MANE Select); coding-DNA position 1405, G replaced by T.
Protein change: p.Gly469Cys; replaces glycine 469 with cysteine.
Molecular consequence: missense variant.
Genome position (GRCh38, 1-based): chr2:151,697,213, C>A on the plus strand (G>T on the coding strand, the complement: NEB is on the minus strand). VCF-style: chr2-151697213-C-A. GRCh37 (hg19) VCF-style: chr2-152553727-C-A.
Other names: c.1405G>T, p.Gly469Cys (NM_001271208.2, NM_004543.5, NM_001164507.2); short protein forms G469C.
Identifiers: ClinVar variation 2838948 (VCV002838948.3), dbSNP rs2099602827, ClinGen allele CA348825433.

ClinVar aggregate classification (germline): Uncertain significance (1 of 4 stars; one submission).

Conditions:
Nemaline myopathy 2 (NEM2). Also called: Nemaline myopathy 2, autosomal recessive. Identifiers: MedGen C1850569, MONDO:0009725, OMIM 256030.

Submission:

Labcorp Genetics (formerly Invitae), Labcorp
Classification: Uncertain significance for Nemaline myopathy 2. Last evaluated: 2023-02-18. Review status: criteria provided, single submitter. Criteria: Invitae Variant Classification Sherloc (09022015). Collection method: clinical testing. Allele origin: germline.
Comment: This variant is not present in population databases (gnomAD no frequency). This sequence change replaces glycine, which is neutral and non-polar, with cysteine, which is neutral and slightly polar, at codon 469 of the NEB protein (p.Gly469Cys). This variant has not been reported in the literature in individuals affected with NEB-related conditions. In summary, the available evidence is currently insufficient to determine the role of this variant in disease. Therefore, it has been classified as a Variant of Uncertain Significance. Algorithms developed to predict the effect of missense changes on protein structure and function output the following: SIFT: "Not Available"; PolyPhen-2: "Not Available"; Align-GVGD: "Not Available". The cysteine amino acid residue is found in multiple mammalian species, which suggests that this missense change does not adversely affect protein function.